The following is an entry in ClinVar:

NM_001024630.4(RUNX2):c.380C>T (p.Pro127Leu)

Gene: RUNX2 (RUNX family transcription factor 2; plus strand). Cytogenetic location: 6p21.1.
Variant type: single nucleotide variant.
Coding change: c.380C>T on transcript NM_001024630.4 (MANE Select); coding-DNA position 380, C replaced by T.
Protein change: p.Pro127Leu; replaces proline 127 with leucine.
Molecular consequence: missense variant.
Genome position (GRCh38, 1-based): chr6:45,422,914, C>T. VCF-style: chr6-45422914-C-T. GRCh37 (hg19) VCF-style: chr6-45390651-C-T.
Other names: c.380C>T, p.Pro127Leu (NM_001015051.4); c.338C>T, p.Pro113Leu (NM_001278478.2, NM_001369405.1); short protein forms P127L, P113L.
Identifiers: ClinVar variation 4747503 (VCV004747503.1).

ClinVar aggregate classification (germline): Pathogenic (1 of 4 stars; one submission).

Submission:

Labcorp Genetics (formerly Invitae), Labcorp
Classification: Pathogenic. Last evaluated: 2025-10-17. Review status: criteria provided, single submitter. Criteria: Invitae Variant Classification Sherloc (09022015). Collection method: clinical testing. Allele origin: germline.
Comment: This sequence change replaces proline, which is neutral and non-polar, with leucine, which is neutral and non-polar, at codon 127 of the RUNX2 protein (p.Pro127Leu). This variant is not present in population databases (gnomAD no frequency). This missense change has been observed in individual(s) with cleidocranial dysplasia (PMID: 16222673; internal data). In at least one individual the variant was observed to be de novo. Invitae Evidence Modeling of protein sequence and biophysical properties (such as structural, functional, and spatial information, amino acid conservation, physicochemical variation, residue mobility, and thermodynamic stability) indicates that this missense variant is expected to disrupt RUNX2 protein function with a positive predictive value of 80%. For these reasons, this variant has been classified as Pathogenic.

Literature cited by the submitters: PubMed 16222673.